The following is an entry in ClinVar:

ClinVar aggregate classification (germline): Uncertain significance (1 of 4 stars; one submission).

Conditions:
Exudative vitreoretinopathy 7. Identifiers: MedGen C4539767, MONDO:0033123, OMIM 617572.

Allele frequency attached by ClinVar (database versions not stated): gnomAD exomes below 0.00001.
gnomAD v4.1: 3 of 1,614,212 alleles (0.00019%); highest among the groups gnomAD compares: Non-Finnish European, 0.00025%; no homozygotes.

Submission:

Victorian Clinical Genetics Services, Murdoch Childrens Research Institute
Classification: Uncertain significance for Exudative vitreoretinopathy 7. Last evaluated: 2022-09-02. Review status: criteria provided, single submitter. Criteria: ACMG Guidelines, 2015. Collection method: clinical testing. Allele origin: germline. Inheritance: Autosomal dominant inheritance. Affected: yes.
Comment: Based on the classification scheme VCGS_Germline_v1.3.4, this variant is classified as VUS-3C. Following criteria are met: 0102 - Loss of function is a known mechanism of disease in this gene and is associated with neurodevelopmental disorder with spastic diplegia and visual defects (MIM#615075), and exudative vitreoretinopathy 7 (MIM#617572). However, somatic variants with a gain of function mechanism have been reported to cause cancer (OMIM). (I) 0107 - This gene is associated with autosomal dominant disease. (I) 0200 - Variant is predicted to result in a missense amino acid change from aspartic acid to glutamic acid. (I) 0251 - This variant is heterozygous. (I) 0301 - Variant is absent from gnomAD (both v2 and v3). (SP) 0503 - Missense variant consistently predicted to be tolerated by multiple in silico tools or not conserved in placental mammals with a minor amino acid change. (SB) 0604 - Variant is not located in an established domain, motif, hotspot or informative constraint region. (I) 0705 - No comparable missense variants have previous evidence for pathogenicity. (I) 0807 - This variant has no previous evidence of pathogenicity. (I) 0905 - No published segregation evidence has been identified for this variant. (I) 1007 - No published functional evidence has been identified for this variant. (I) 1208 - Inheritance information for this variant is not currently available in this individual. (I) Legend: (SP) - Supporting pathogenic, (I) - Information, (SB) - Supporting benign

NM_001904.4(CTNNB1):c.2181T>G (p.Asp727Glu)

Gene: CTNNB1 (catenin beta 1; plus strand). Cytogenetic location: 3p22.1.
Variant type: single nucleotide variant.
Coding change: c.2181T>G on transcript NM_001904.4 (MANE Select); coding-DNA position 2181, T replaced by G.
Protein change: p.Asp727Glu; replaces aspartic acid 727 with glutamic acid.
Molecular consequence: missense variant.
Genome position (GRCh38, 1-based): chr3:41,239,177, T>G. VCF-style: chr3-41239177-T-G. GRCh37 (hg19) VCF-style: chr3-41280668-T-G.
Other names: c.2181T>G, p.Asp727Glu (NM_001098209.2, NM_001098210.2); c.2160T>G, p.Asp720Glu (NM_001330729.2); short protein forms D720E, D727E.
Identifiers: ClinVar variation 1806007 (VCV001806007.1), dbSNP rs2125653234, ClinGen allele CA352237339.